The following is an entry in ClinVar:

NM_000081.4(LYST):c.10778C>G (p.Thr3593Arg)

Gene: LYST (lysosomal trafficking regulator; minus strand). Cytogenetic location: 1q42.3.
Variant type: single nucleotide variant.
Coding change: c.10778C>G on transcript NM_000081.4 (MANE Select); coding-DNA position 10778, C replaced by G.
Protein change: p.Thr3593Arg; replaces threonine 3593 with arginine.
Molecular consequence: missense variant.
Genome position (GRCh38, 1-based): chr1:235,686,971, G>C on the plus strand (C>G on the coding strand, the complement: LYST is on the minus strand). VCF-style: chr1-235686971-G-C. GRCh37 (hg19) VCF-style: chr1-235850271-G-C.
Other names: c.10778C>G, p.Thr3593Arg (NM_001301365.1); short protein forms T3593R.
Identifiers: ClinVar variation 2086744 (VCV002086744.4), dbSNP rs2527211454, ClinGen allele CA344924076.

ClinVar aggregate classification (germline): Uncertain significance (1 of 4 stars; one submission).

Conditions:
Chédiak-Higashi syndrome (CHS). Also called: Chediak-Higashi Syndrome. Identifiers: Orphanet 167, MedGen C0007965, MONDO:0008963, OMIM 214500.

Submission:

Labcorp Genetics (formerly Invitae), Labcorp
Classification: Uncertain significance for Chédiak-Higashi syndrome. Last evaluated: 2022-07-14. Review status: criteria provided, single submitter. Criteria: Invitae Variant Classification Sherloc (09022015). Collection method: clinical testing. Allele origin: germline.
Comment: In summary, the available evidence is currently insufficient to determine the role of this variant in disease. Therefore, it has been classified as a Variant of Uncertain Significance. Algorithms developed to predict the effect of missense changes on protein structure and function (SIFT, PolyPhen-2, Align-GVGD) all suggest that this variant is likely to be tolerated. This variant has not been reported in the literature in individuals affected with LYST-related conditions. This variant is not present in population databases (gnomAD no frequency). This sequence change replaces threonine, which is neutral and polar, with arginine, which is basic and polar, at codon 3593 of the LYST protein (p.Thr3593Arg).